The following is an entry in ClinVar:

NM_006766.5(KAT6A):c.799T>C (p.Ser267Pro)

Gene: KAT6A (lysine acetyltransferase 6A; minus strand). Cytogenetic location: 8p11.21.
Variant type: single nucleotide variant.
Coding change: c.799T>C on transcript NM_006766.5 (MANE Select); coding-DNA position 799, T replaced by C.
Protein change: p.Ser267Pro; replaces serine 267 with proline.
Molecular consequence: missense variant.
Genome position (GRCh38, 1-based): chr8:41,981,865, A>G on the plus strand (T>C on the coding strand, the complement: KAT6A is on the minus strand). VCF-style: chr8-41981865-A-G. GRCh37 (hg19) VCF-style: chr8-41839383-A-G.
Other names: c.799T>C, p.Ser267Pro (NM_001305878.2); short protein forms S267P.
Identifiers: ClinVar variation 2446126 (VCV002446126.1), dbSNP rs1824371735, ClinGen allele CA371173852.

ClinVar aggregate classification (germline): Uncertain significance (1 of 4 stars; one submission).

Submission:

GeneDx
Classification: Uncertain significance. Last evaluated: 2022-09-26. Review status: criteria provided, single submitter. Criteria: GeneDx Variant Classification Process June 2021. Collection method: clinical testing. Allele origin: germline. Affected: yes.
Comment: Not observed at significant frequency in large population cohorts (gnomAD); In silico analysis supports that this missense variant has a deleterious effect on protein structure/function; Has not been previously published as pathogenic or benign to our knowledge